The following is an entry in ClinVar:

ClinVar aggregate classification (germline): Likely benign. Review status: criteria provided, multiple submitters, no conflicts (2 of 4 stars). 2 submissions from 2 submitters: Likely benign (2). Last evaluated 2025-08-01.

Conditions:
Cardiovascular phenotype. Identifiers: MedGen CN230736.

Allele frequency attached by ClinVar (database versions not stated): ExAC 0.00001; gnomAD 0.00003.
gnomAD v4.1: 16 of 1,607,998 alleles (0.001%); highest among the groups gnomAD compares: Admixed American, 0.005%; no homozygotes.

Submissions (2):

CeGaT Center for Human Genetics Tuebingen
Classification: Likely benign. Last evaluated: 2025-08-01. Review status: criteria provided, single submitter. Criteria: CeGaT Center For Human Genetics Tuebingen Variant Classification Criteria Version 2. Collection method: clinical testing. Allele origin: germline. Affected: yes. Observed: 1 variant allele.
Comment: TNXB: BP4, BP7

Ambry Genetics
Classification: Likely benign for Cardiovascular phenotype. Last evaluated: 2022-04-03. Review status: criteria provided, single submitter. Criteria: Ambry Variant Classification Scheme 2023. Collection method: clinical testing. Allele origin: germline.

NM_001365276.2(TNXB):c.3255C>T (p.Pro1085=)

Gene: TNXB (tenascin XB; minus strand). Cytogenetic location: 6p21.33.
Variant type: single nucleotide variant.
Coding change: c.3255C>T on transcript NM_001365276.2 (MANE Select); coding-DNA position 3255, C replaced by T.
Protein change: p.Pro1085=; no amino-acid change (proline 1085 retained).
Molecular consequence: synonymous variant.
Genome position (GRCh38, 1-based): chr6:32,084,603, G>A on the plus strand (C>T on the coding strand, the complement: TNXB is on the minus strand). VCF-style: chr6-32084603-G-A. GRCh37 (hg19) VCF-style: chr6-32052380-G-A.
Other names: c.3255C>T, p.Pro1085= (NM_019105.8).
Identifiers: ClinVar variation 1729456 (VCV001729456.10), dbSNP rs776363336, ClinGen allele CA3735215.